The following is an entry in ClinVar:

ClinVar aggregate classification (germline): Uncertain significance (1 of 4 stars; one submission).

Allele frequency attached by ClinVar (database versions not stated): TOPMed below 0.00001; gnomAD 0.00001; ExAC 0.00008.
gnomAD v4.1: 29 of 1,611,838 alleles (0.0018%); highest among the groups gnomAD compares: South Asian, 0.029%; 1 homozygote.

Submission:

Labcorp Genetics (formerly Invitae), Labcorp
Classification: Uncertain significance. Last evaluated: 2022-10-22. Review status: criteria provided, single submitter. Criteria: Invitae Variant Classification Sherloc (09022015). Collection method: clinical testing. Allele origin: germline.
Comment: This sequence change replaces proline, which is neutral and non-polar, with leucine, which is neutral and non-polar, at codon 104 of the MYO15A protein (p.Pro104Leu). This variant is present in population databases (rs765000005, gnomAD 0.03%). This variant has not been reported in the literature in individuals affected with MYO15A-related conditions. Advanced modeling of protein sequence and biophysical properties (such as structural, functional, and spatial information, amino acid conservation, physicochemical variation, residue mobility, and thermodynamic stability) performed at Invitae indicates that this missense variant is not expected to disrupt MYO15A protein function. In summary, the available evidence is currently insufficient to determine the role of this variant in disease. Therefore, it has been classified as a Variant of Uncertain Significance.

NM_016239.4(MYO15A):c.311C>T (p.Pro104Leu)

Gene: MYO15A (myosin XVA; plus strand). Cytogenetic location: 17p11.2.
Variant type: single nucleotide variant.
Coding change: c.311C>T on transcript NM_016239.4 (MANE Select); coding-DNA position 311, C replaced by T.
Protein change: p.Pro104Leu; replaces proline 104 with leucine.
Molecular consequence: missense variant.
Genome position (GRCh38, 1-based): chr17:18,119,111, C>T. VCF-style: chr17-18119111-C-T. GRCh37 (hg19) VCF-style: chr17-18022425-C-T.
Other names: short protein forms P104L.
Identifiers: ClinVar variation 1912171 (VCV001912171.2), dbSNP rs765000005, ClinGen allele CA8422807.